The following is an entry in ClinVar:

NM_001164508.2(NEB):c.7372A>G (p.Ser2458Gly)

Gene: NEB (nebulin; minus strand). Cytogenetic location: 2q23.3.
Variant type: single nucleotide variant.
Coding change: c.7372A>G on transcript NM_001164508.2 (MANE Select); coding-DNA position 7372, A replaced by G.
Protein change: p.Ser2458Gly; replaces serine 2458 with glycine.
Molecular consequence: missense variant.
Genome position (GRCh38, 1-based): chr2:151,650,235, T>C on the plus strand (A>G on the coding strand, the complement: NEB is on the minus strand). VCF-style: chr2-151650235-T-C. GRCh37 (hg19) VCF-style: chr2-152506749-T-C.
Other names: c.7372A>G, p.Ser2458Gly (NM_001164507.2, NM_001271208.2, NM_004543.5); short protein forms S2458G.
Identifiers: ClinVar variation 2199474 (VCV002199474.2), dbSNP rs370745767, ClinGen allele CA1909873.
Genomic context (GRCh38, chr2:151,650,235, plus strand): 5'-CATCACTCCTATTTTTGGCATTTGTCTTTGCCAGAACTATATCCATGGCATCAGGAATGC[T>C]GGTGAACTTGTTTCTGTCTGGAGGCTGACGATATTTCTTCTCACTGATGATTTCCGAAGC-3'
Protein context (NP_001157980.2, residues 2448-2468): RQPPDRNKFT[Ser2458Gly]IPDAMDIVLA

ClinVar aggregate classification (germline): Uncertain significance (1 of 4 stars; one submission).

Conditions:
Nemaline myopathy 2 (NEM2). Also called: Nemaline myopathy 2, autosomal recessive. Identifiers: MedGen C1850569, MONDO:0009725, OMIM 256030.

Allele frequency attached by ClinVar (database versions not stated): ExAC 0.00001; gnomAD 0.00001; gnomAD exomes 0.00001; TOPMed 0.00002; ESP Exome Variant Server 0.00008.
gnomAD v4.1: 9 of 1,613,856 alleles (0.00056%); highest among the groups gnomAD compares: African/African-American, 0.0053%; no homozygotes.

Submission:

Labcorp Genetics (formerly Invitae), Labcorp
Classification: Uncertain significance for Nemaline myopathy 2. Last evaluated: 2025-09-08. Review status: criteria provided, single submitter. Criteria: Invitae Variant Classification Sherloc (09022015). Collection method: clinical testing. Allele origin: germline.
Comment: This sequence change replaces serine, which is neutral and polar, with glycine, which is neutral and non-polar, at codon 2458 of the NEB protein (p.Ser2458Gly). This variant is present in population databases (rs370745767, gnomAD 0.0009%). This variant has not been reported in the literature in individuals affected with NEB-related conditions. ClinVar contains an entry for this variant (Variation ID: 2199474). Experimental studies and prediction algorithms are not available or were not evaluated, and the functional significance of this variant is currently unknown. In summary, the available evidence is currently insufficient to determine the role of this variant in disease. Therefore, it has been classified as a Variant of Uncertain Significance.